The following is an entry in ClinVar:

ClinVar aggregate classification (germline): Uncertain significance (1 of 4 stars; one submission).

Conditions:
Inborn genetic diseases. Identifiers: MedGen C0950123, MeSH D030342.

Submission:

Ambry Genetics
Classification: Uncertain significance for Inborn genetic diseases. Last evaluated: 2025-06-14. Review status: criteria provided, single submitter. Criteria: Ambry Variant Classification Scheme 2023. Collection method: clinical testing. Allele origin: germline.
Comment: The p.G457V variant (also known as c.1370G>T), located in coding exon 7 of the RECQL4 gene, results from a G to T substitution at nucleotide position 1370. The glycine at codon 457 is replaced by valine, an amino acid with dissimilar properties. This amino acid position is conserved. In addition, the in silico prediction for this alteration is inconclusive. Based on the available evidence, the clinical significance of this variant remains unclear.

NM_004260.4(RECQL4):c.1370G>T (p.Gly457Val)

Gene: RECQL4 (RecQ like helicase 4; minus strand). Cytogenetic location: 8q24.3.
Variant type: single nucleotide variant.
Coding change: c.1370G>T on transcript NM_004260.4 (MANE Select); coding-DNA position 1370, G replaced by T.
Protein change: p.Gly457Val; replaces glycine 457 with valine.
Molecular consequence: missense variant. On other transcripts: 5 prime UTR variant (1), non-coding transcript variant (3).
Genome position (GRCh38, 1-based): chr8:144,515,346, C>A on the plus strand (G>T on the coding strand, the complement: RECQL4 is on the minus strand). VCF-style: chr8-144515346-C-A. GRCh37 (hg19) VCF-style: chr8-145740730-C-A.
Other names: c.1274G>T, p.Gly425Val (NM_001413017.1, NM_001413020.1); c.1370G>T, p.Gly457Val (NM_001413018.1, NM_001413019.1, NM_001413033.1 and 2 more transcripts); c.299G>T, p.Gly100Val (NM_001413021.1, NM_001413022.1, NM_001413023.1 and 8 more transcripts); c.1241G>T, p.Gly414Val (NM_001413025.1); c.233G>T, p.Gly78Val (NM_001413027.1, NM_001413030.1, NM_001413031.1 and 2 more transcripts); c.1019G>T, p.Gly340Val (NM_001413029.1); c.-98G>T (NM_001413043.1); short protein forms G100V, G457V, G414V, G425V, G340V, G78V.
Identifiers: ClinVar variation 3944370 (VCV003944370.1).